The following is an entry in ClinVar:

ClinVar aggregate classification (germline): Pathogenic/Likely pathogenic. Review status: criteria provided, multiple submitters, no conflicts (2 of 4 stars). 4 submissions from 4 submitters: Pathogenic (1); Likely pathogenic (3). Last evaluated 2025-01-13.

Conditions:
EYS-related disorder. Also called: EYS-related condition.
Retinitis pigmentosa 25 (RP25). Identifiers: Orphanet 791, MedGen C1864446, MONDO:0011272, OMIM 602772.

Submissions (4):

Labcorp Genetics (formerly Invitae), Labcorp
Classification: Pathogenic. Last evaluated: 2025-01-13. Review status: criteria provided, single submitter. Criteria: Invitae Variant Classification Sherloc (09022015). Collection method: clinical testing. Allele origin: germline.
Comment: This sequence change creates a premature translational stop signal (p.Glu1058*) in the EYS gene. It is expected to result in an absent or disrupted protein product. Loss-of-function variants in EYS are known to be pathogenic (PMID: 18836446, 20333770). This variant is not present in population databases (gnomAD no frequency). This variant has not been reported in the literature in individuals affected with EYS-related conditions. ClinVar contains an entry for this variant (Variation ID: 1455094). For these reasons, this variant has been classified as Pathogenic.

Natera, Inc.
Classification: Likely pathogenic for Retinitis pigmentosa type 25. Last evaluated: 2024-07-10. Review status: criteria provided, single submitter. Criteria: Natera Variant Classification Schema (03/2026). Collection method: clinical testing. Allele origin: germline.
Comment: The c.3172G>T variant in EYS is a nonsense variant predicted to introduce a stop codon at amino acid 1058. This variant is expected to result in nonsense mediated decay, truncation, or a dysfunctional protein product. This variant is rare in the general population with a frequency below the threshold expected for the associated phenotype(s). Given the available evidence, this variant is classified as Likely Pathogenic.

Fulgent Genetics
Classification: Likely pathogenic for Retinitis pigmentosa 25. Last evaluated: 2024-05-13. Review status: criteria provided, single submitter. Criteria: ACMG Guidelines, 2015. Collection method: clinical testing. Allele origin: germline.

Blueprint Genetics
Classification: Likely pathogenic for EYS-related disorders. Last evaluated: 2019-11-27. Review status: criteria provided, single submitter. Criteria: ACMG Guidelines, 2015. Collection method: clinical testing. Allele origin: germline. Affected: yes. Observed: 1 variant allele.

Literature cited by the submitters: PubMed 18836446 (cited by Labcorp Genetics (formerly Invitae), Labcorp); PubMed 20333770 (cited by Labcorp Genetics (formerly Invitae), Labcorp).

NM_001142800.2(EYS):c.3172G>T (p.Glu1058Ter)

Gene: EYS (EGF-like photoreceptor maintenance factor; minus strand). Cytogenetic location: 6q12.
Variant type: single nucleotide variant.
Coding change: c.3172G>T on transcript NM_001142800.2 (MANE Select); coding-DNA position 3172, G replaced by T.
Protein change: p.Glu1058Ter; replaces glutamic acid 1058 with a stop codon.
Molecular consequence: nonsense.
Genome position (GRCh38, 1-based): chr6:64,821,716, C>A on the plus strand (G>T on the coding strand, the complement: EYS is on the minus strand). VCF-style: chr6-64821716-C-A. GRCh37 (hg19) VCF-style: chr6-65531609-C-A.
Other names: c.3172G>T (NM_001142800.1); c.3172G>T, p.Glu1058Ter (NM_001292009.2); short protein forms E1058*.
Identifiers: ClinVar variation 1455094 (VCV001455094.9), dbSNP rs2150022015, ClinGen allele CA364787292.
Genomic context (GRCh38, chr6:64,821,716, plus strand): 5'-TCTTACATTGTGTGCTAGTCCCATCTGCATCACATGAACATGGATATTCATTAATAAGTT[C>A]TGTGCACCTGAAACACAGAATTAGAATTACATTTTCAAATAAGTAGATGTTAAAGCATAA-3'